The following is an entry in ClinVar:

ClinVar aggregate classification (germline): Uncertain significance (1 of 4 stars; one submission).

Conditions:
Congenital myasthenic syndrome 8. Also called: Myasthenic syndrome, congenital, 8, with pre- and postsynaptic defects; MYASTHENIC SYNDROME, CONGENITAL, DUE TO AGRIN DEFICIENCY. Identifiers: Orphanet 590, MedGen C3808739, MONDO:0014052, OMIM 615120.

Allele frequency attached by ClinVar (database versions not stated): ExAC 0.00001; gnomAD 0.00001; TOPMed 0.00001.

Submission:

Labcorp Genetics (formerly Invitae), Labcorp
Classification: Uncertain significance for Congenital myasthenic syndrome 8. Last evaluated: 2025-08-03. Review status: criteria provided, single submitter. Criteria: Invitae Variant Classification Sherloc (09022015). Collection method: clinical testing. Allele origin: germline.
Comment: This sequence change replaces arginine, which is basic and polar, with glutamine, which is neutral and polar, at codon 140 of the AGRN protein (p.Arg140Gln). This variant is present in population databases (rs760191021, gnomAD 0.006%). This variant has not been reported in the literature in individuals affected with AGRN-related conditions. ClinVar contains an entry for this variant (Variation ID: 661960). An algorithm developed to predict the effect of missense changes on protein structure and function (PolyPhen-2) suggests that this variant is likely to be tolerated. In summary, the available evidence is currently insufficient to determine the role of this variant in disease. Therefore, it has been classified as a Variant of Uncertain Significance.

NM_198576.4(AGRN):c.419G>A (p.Arg140Gln)

Genes: AGRN (agrin; plus strand), LOC126805576 (P300/CBP strongly-dependent group 1 enhancer GRCh37_chr1:956772-957971; plus strand). Cytogenetic location: 1p36.33.
Variant type: single nucleotide variant.
Coding change: c.419G>A on transcript NM_198576.4 (MANE Select); coding-DNA position 419, G replaced by A.
Protein change: p.Arg140Gln; replaces arginine 140 with glutamine.
Molecular consequence: missense variant.
Genome position (GRCh38, 1-based): chr1:1,022,418, G>A. VCF-style: chr1-1022418-G-A. GRCh37 (hg19) VCF-style: chr1-957798-G-A.
Other names: c.419G>A, p.Arg140Gln (NM_001305275.2); short protein forms R140Q.
Identifiers: ClinVar variation 661960 (VCV000661960.9), dbSNP rs760191021, ClinGen allele CA507818.
Genomic context (GRCh38, chr1:1,022,418, plus strand): 5'-CACCCCCATACCTGTGGCCAGCCCACAAGAACGAGCTGATGCTCAACTCCAGCCTCATGC[G>A]GATCACCCTGCGGAACCTGGAGGAGGTGGAGTTCTGTGTGGAAGGTGCGTGGTGGGGGGC-3'
Protein context (NP_940978.2, residues 130-150): NELMLNSSLM[Arg140Gln]ITLRNLEEVE